The following is an entry in ClinVar:

ClinVar aggregate classification (germline): Uncertain significance (1 of 4 stars; one submission).

Conditions:
Neuronopathy, distal hereditary motor, autosomal recessive 4. Also called: NEUROPATHY, DISTAL HEREDITARY MOTOR, AUTOSOMAL RECESSIVE 4; Autosomal recessive lower motor neuron disease with childhood onset. Identifiers: Orphanet 206580, MedGen C1970211, MONDO:0012608, OMIM 611067.
Charcot-Marie-Tooth disease recessive intermediate C. Also called: CHARCOT-MARIE-TOOTH NEUROPATHY, RECESSIVE INTERMEDIATE C. Identifiers: Orphanet 369867, MedGen C3809309, MONDO:0014154, OMIM 615376.

Allele frequency attached by ClinVar (database versions not stated): TOPMed below 0.00001; ExAC 0.00003; gnomAD 0.00003; ESP Exome Variant Server 0.00008; 1000 Genomes Project 0.00040; 1000 Genomes Project 30x 0.00047.
gnomAD v4.1: 13 of 1,613,776 alleles (0.00081%); highest among the groups gnomAD compares: Middle Eastern, 0.016%; no homozygotes.

Submission:

Labcorp Genetics (formerly Invitae), Labcorp
Classification: Uncertain significance for Neuronopathy, distal hereditary motor, autosomal recessive 4; Charcot-Marie-Tooth disease recessive intermediate C. Last evaluated: 2022-02-17. Review status: criteria provided, single submitter. Criteria: Invitae Variant Classification Sherloc (09022015). Collection method: clinical testing. Allele origin: germline.
Comment: This sequence change replaces arginine, which is basic and polar, with glutamine, which is neutral and polar, at codon 290 of the PLEKHG5 protein (p.Arg290Gln). This variant is present in population databases (rs147752853, gnomAD 0.007%). This variant has not been reported in the literature in individuals affected with PLEKHG5-related conditions. Algorithms developed to predict the effect of missense changes on protein structure and function output the following: SIFT: "Tolerated"; PolyPhen-2: "Benign"; Align-GVGD: "Class C0". The glutamine amino acid residue is found in multiple mammalian species, which suggests that this missense change does not adversely affect protein function. In summary, the available evidence is currently insufficient to determine the role of this variant in disease. Therefore, it has been classified as a Variant of Uncertain Significance.

NM_020631.6(PLEKHG5):c.869G>A (p.Arg290Gln)

Gene: PLEKHG5 (pleckstrin homology and RhoGEF domain containing G5; minus strand). Cytogenetic location: 1p36.31.
Variant type: single nucleotide variant.
Coding change: c.869G>A on transcript NM_020631.6 (MANE Select); coding-DNA position 869, G replaced by A.
Protein change: p.Arg290Gln; replaces arginine 290 with glutamine.
Molecular consequence: missense variant.
Genome position (GRCh38, 1-based): chr1:6,473,101, C>T on the plus strand (G>A on the coding strand, the complement: PLEKHG5 is on the minus strand). VCF-style: chr1-6473101-C-T. GRCh37 (hg19) VCF-style: chr1-6533161-C-T.
Other names: c.869G>A, p.Arg290Gln (NM_198681.4, NM_001042664.2, NM_001042665.2 and 1 more transcripts); c.980G>A, p.Arg327Gln (NM_001042663.3, NM_001265592.2); c.1076G>A, p.Arg359Gln (NM_001265593.2); short protein forms R290Q, R327Q, R359Q.
Identifiers: ClinVar variation 2037869 (VCV002037869.1), dbSNP rs147752853, ClinGen allele CA561726.